The following is an entry in ClinVar:

NM_005360.5(MAF):c.1179G>A (p.Gln393=)

Gene: MAF (MAF bZIP transcription factor; minus strand). Cytogenetic location: 16q23.2.
Variant type: single nucleotide variant.
Coding change: c.1179G>A on transcript NM_005360.5 (MANE Select); coding-DNA position 1179, G replaced by A.
Protein change: p.Gln393=; no amino-acid change (glutamine 393 retained).
Molecular consequence: synonymous variant. On other transcripts: 3 prime UTR variant (1).
Genome position (GRCh38, 1-based): chr16:79,594,493, C>T on the plus strand (G>A on the coding strand, the complement: MAF is on the minus strand). VCF-style: chr16-79594493-C-T. GRCh37 (hg19) VCF-style: chr16-79628390-C-T.
Other names: c.1179G>A (NM_005360.4); c.*4288G>A (NM_001031804.3).
Identifiers: ClinVar variation 1168532 (VCV001168532.36), dbSNP rs149118803, ClinGen allele CA8183939.

ClinVar aggregate classification (germline): Benign/Likely benign. Review status: criteria provided, multiple submitters, no conflicts (2 of 4 stars). 4 submissions from 4 submitters: Benign (1); Likely benign (2). 1 of the submissions does not count toward it. Last evaluated 2026-04-01.

Conditions:
Cataract 21 multiple types. Also called: CATARACT 21, MULTIPLE TYPES, WITH MICROCORNEA; CATARACT 21, MULTIPLE TYPES, WITH OR WITHOUT MICROCORNEA; CATARACT 21, CERULEAN, WITH OR WITHOUT MICROCORNEA; Cataract, congenital, cerulean type, 4. Identifiers: Orphanet 91492, MedGen C1857768, MONDO:0012437, OMIM 610202.
Ayme-Gripp syndrome. Also called: Aymé-Gripp Syndrome. Identifiers: MedGen C1832812, MONDO:0010992, OMIM 601088.
MAF-related disorder. Also called: MAF-related condition.

Allele frequency attached by ClinVar (database versions not stated): gnomAD exomes 0.00063; TOPMed 0.00070; ESP Exome Variant Server 0.00077; gnomAD 0.00078 and 0.00086; ExAC 0.00128.
gnomAD v4.1: 1,404 of 1,566,318 alleles (0.09%); highest among the groups gnomAD compares: Non-Finnish European, 0.11%; no homozygotes.

Submissions (4):

CeGaT Center for Human Genetics Tuebingen
Classification: Likely benign. Last evaluated: 2026-04-01. Review status: criteria provided, single submitter. Criteria: CeGaT Center For Human Genetics Tuebingen Variant Classification Criteria Version 2. Collection method: clinical testing. Allele origin: germline. Affected: yes. Observed: 6 variant alleles.
Comment: MAF: BP4, BP7, BS1

Labcorp Genetics (formerly Invitae), Labcorp
Classification: Benign for Cataract 21 multiple types; Ayme-Gripp syndrome. Last evaluated: 2025-08-29. Review status: criteria provided, single submitter. Criteria: Invitae Variant Classification Sherloc (09022015). Collection method: clinical testing. Allele origin: germline.

Blueprint Genetics
Classification: Likely benign. Last evaluated: 2024-09-01. Review status: criteria provided, single submitter. Criteria: ACMG Guidelines, 2015. Collection method: clinical testing. Allele origin: germline.

PreventionGenetics, part of Exact Sciences
Classification: Likely benign for MAF-related condition. Last evaluated: 2019-05-03. Review status: no assertion criteria provided. Collection method: clinical testing. Allele origin: germline. Not counted in ClinVar's aggregate classification.
Comment: This variant is classified as likely benign based on ACMG/AMP sequence variant interpretation guidelines (Richards et al. 2015 PMID: 25741868, with internal and published modifications).